The following is an entry in ClinVar:

NM_015559.3(SETBP1):c.2234C>T (p.Ala745Val)

Gene: SETBP1 (SET binding protein 1; plus strand). Cytogenetic location: 18q12.3.
Variant type: single nucleotide variant.
Coding change: c.2234C>T on transcript NM_015559.3 (MANE Select); coding-DNA position 2234, C replaced by T.
Protein change: p.Ala745Val; replaces alanine 745 with valine.
Molecular consequence: missense variant.
Genome position (GRCh38, 1-based): chr18:44,951,574, C>T. VCF-style: chr18-44951574-C-T. GRCh37 (hg19) VCF-style: chr18-42531539-C-T.
Other names: c.2234C>T, p.Ala745Val (NM_001379141.1, NM_001379142.1, NM_001410862.1); short protein forms A745V.
Identifiers: ClinVar variation 4075737 (VCV004075737.1).
Genomic context (GRCh38, chr18:44,951,574, plus strand): 5'-AGAAGCGGGGCAGGAAGCCAAGAGCAGAGCTGCCACCCCCATCCGAAGAACCCAAAACAG[C>T]CATCAAGCACCCCAGGCCTGTTTCTAGCCAGCCGGATGTTCCAGCCGTGCCTTCCAACTT-3'
Protein context (NP_056374.2, residues 735-755): LPPPSEEPKT[Ala745Val]IKHPRPVSSQ

ClinVar aggregate classification (germline): Uncertain significance (1 of 4 stars; one submission).

Submission:

GeneDx
Classification: Uncertain significance. Last evaluated: 2025-02-18. Review status: criteria provided, single submitter. Criteria: GeneDx Variant Classification Process June 2021. Collection method: clinical testing. Allele origin: germline. Affected: yes.
Comment: Not observed at significant frequency in large population cohorts (gnomAD); In silico analysis indicates that this missense variant does not alter protein structure/function; Has not been previously published as pathogenic or benign to our knowledge